The following is an entry in ClinVar:

NM_001081550.2(THOC2):c.1084C>G (p.Gln362Glu)

Gene: THOC2 (THO complex subunit 2; minus strand). Cytogenetic location: Xq25.
Variant type: single nucleotide variant.
Coding change: c.1084C>G on transcript NM_001081550.2 (MANE Select); coding-DNA position 1084, C replaced by G.
Protein change: p.Gln362Glu; replaces glutamine 362 with glutamic acid.
Molecular consequence: missense variant.
Genome position (GRCh38, 1-based): chrX:123,667,212, G>C on the plus strand (C>G on the coding strand, the complement: THOC2 is on the minus strand). VCF-style: chrX-123667212-G-C. GRCh37 (hg19) VCF-style: chrX-122801063-G-C.
Other names: short protein forms Q362E.
Identifiers: ClinVar variation 4072536 (VCV004072536.1).
Genomic context (GRCh38, chrX:123,667,212, plus strand): 5'-CAAGGGCTATTAGCTTGTGTGAAGCTGCATAGTATGGAGGCATCTGATCCATAATGTTCT[G>C]TGCATGTTGCCAATCACCAATCTTTAATAAGGCTTCCAACAAGCCAAGTTTTTGGTTATC-3'
Protein context (NP_001075019.1, residues 352-372): LLKIGDWQHA[Gln362Glu]NIMDQMPPYY

ClinVar aggregate classification (germline): Uncertain significance (1 of 4 stars; one submission).

Submission:

GeneDx
Classification: Uncertain significance. Last evaluated: 2025-01-30. Review status: criteria provided, single submitter. Criteria: GeneDx Variant Classification Process June 2021. Collection method: clinical testing. Allele origin: germline. Affected: yes.
Comment: Not observed at significant frequency in large population cohorts (gnomAD); In silico analysis indicates that this missense variant does not alter protein structure/function; Has not been previously published as pathogenic or benign to our knowledge